The following is an entry in ClinVar:

ClinVar aggregate classification (germline): Uncertain significance. Review status: criteria provided, multiple submitters, no conflicts (2 of 4 stars). 2 submissions from 2 submitters: Uncertain significance (2). Last evaluated 2025-10-14.

Conditions:
Progressive myoclonic epilepsy type 5. Identifiers: Orphanet 402082, MedGen C5190799.

Submissions (2):

Ambry Genetics
Classification: Uncertain significance. Last evaluated: 2025-10-14. Review status: criteria provided, single submitter. Criteria: Ambry Variant Classification Scheme 2023. Collection method: clinical testing. Allele origin: germline.

Labcorp Genetics (formerly Invitae), Labcorp
Classification: Uncertain significance for Progressive myoclonic epilepsy type 5. Last evaluated: 2022-09-13. Review status: criteria provided, single submitter. Criteria: Invitae Variant Classification Sherloc (09022015). Collection method: clinical testing. Allele origin: germline.
Comment: Advanced modeling of protein sequence and biophysical properties (such as structural, functional, and spatial information, amino acid conservation, physicochemical variation, residue mobility, and thermodynamic stability) performed at Invitae indicates that this missense variant is not expected to disrupt PRICKLE2 protein function. In summary, the available evidence is currently insufficient to determine the role of this variant in disease. Therefore, it has been classified as a Variant of Uncertain Significance. ClinVar contains an entry for this variant (Variation ID: 1489152). This variant has not been reported in the literature in individuals affected with PRICKLE2-related conditions. This variant is not present in population databases (gnomAD no frequency). This sequence change replaces arginine, which is basic and polar, with proline, which is neutral and non-polar, at codon 680 of the PRICKLE2 protein (p.Arg680Pro).

NM_198859.4(PRICKLE2):c.2039G>C (p.Arg680Pro)

Genes: PRICKLE2 (prickle planar cell polarity protein 2; minus strand), PRICKLE2-AS1 (PRICKLE2 antisense RNA 1; plus strand). Cytogenetic location: 3p14.1.
Variant type: single nucleotide variant.
Coding change: c.2039G>C on transcript NM_198859.4 (MANE Select); coding-DNA position 2039, G replaced by C.
Protein change: p.Arg680Pro; replaces arginine 680 with proline.
Molecular consequence: missense variant. On other transcripts: non-coding transcript variant (1).
Genome position (GRCh38, 1-based): chr3:64,099,547, C>G on the plus strand (G>C on the coding strand, the complement: PRICKLE2 is on the minus strand). VCF-style: chr3-64099547-C-G. GRCh37 (hg19) VCF-style: chr3-64085223-C-G.
Other names: c.2039G>C, p.Arg680Pro (NM_001370528.1); c.2039G>C (NM_198859.3); short protein forms R680P.
Identifiers: ClinVar variation 1489152 (VCV001489152.9), dbSNP rs1308230146, ClinGen allele CA353426912.